The following is an entry in ClinVar:

NM_005918.4(MDH2):c.176C>A (p.Ala59Glu)

Gene: MDH2 (malate dehydrogenase 2; plus strand). Cytogenetic location: 7q11.23.
Variant type: single nucleotide variant.
Coding change: c.176C>A on transcript NM_005918.4 (MANE Select); coding-DNA position 176, C replaced by A.
Protein change: p.Ala59Glu; replaces alanine 59 with glutamic acid.
Molecular consequence: missense variant. On other transcripts: intron variant (1).
Genome position (GRCh38, 1-based): chr7:76,054,939, C>A. VCF-style: chr7-76054939-C-A. GRCh37 (hg19) VCF-style: chr7-75684257-C-A.
Other names: c.176C>A, p.Ala59Glu (NM_001282403.2); c.-86-2471C>A (NM_001282404.2); short protein forms A59E.
Identifiers: ClinVar variation 1779756 (VCV001779756.2), dbSNP rs782507132, ClinGen allele CA367762556.

ClinVar aggregate classification (germline): Uncertain significance (1 of 4 stars; one submission).

Conditions:
Inborn genetic diseases. Identifiers: MedGen C0950123, MeSH D030342.

Submission:

Ambry Genetics
Classification: Uncertain significance for Inborn genetic diseases. Last evaluated: 2021-11-04. Review status: criteria provided, single submitter. Criteria: Ambry Variant Classification Scheme 2023. Collection method: clinical testing. Allele origin: germline.
Comment: The p.A59E variant (also known as c.176C>A), located in coding exon 2 of the MDH2 gene, results from a C to A substitution at nucleotide position 176. The alanine at codon 59 is replaced by glutamic acid, an amino acid with dissimilar properties. This amino acid position is conserved. In addition, this alteration is predicted to be deleterious by in silico analysis. Since supporting evidence is limited at this time, the clinical significance of this alteration remains unclear.